The following is an entry in ClinVar:

ClinVar aggregate classification (germline): Uncertain significance (1 of 4 stars; one submission).

Submission:

GeneDx
Classification: Uncertain significance. Last evaluated: 2022-07-06. Review status: criteria provided, single submitter. Criteria: GeneDx Variant Classification Process June 2021. Collection method: clinical testing. Allele origin: germline. Affected: yes.
Comment: Not observed at significant frequency in large population cohorts (gnomAD); In silico analysis supports that this missense variant has a deleterious effect on protein structure/function; Has not been previously published as pathogenic or benign to our knowledge; This variant is associated with the following publications: (PMID: 24658002)

NM_003072.5(SMARCA4):c.2434C>G (p.Leu812Val)

Gene: SMARCA4 (SWI/SNF related BAF chromatin remodeling complex subunit ATPase 4; plus strand). Cytogenetic location: 19p13.2.
Variant type: single nucleotide variant.
Coding change: c.2434C>G on transcript NM_003072.5 (MANE Select); coding-DNA position 2434, C replaced by G.
Protein change: p.Leu812Val; replaces leucine 812 with valine.
Molecular consequence: missense variant. On other transcripts: non-coding transcript variant (1).
Genome position (GRCh38, 1-based): chr19:11,013,108, C>G. VCF-style: chr19-11013108-C-G. GRCh37 (hg19) VCF-style: chr19-11123784-C-G.
Other names: c.2434C>G, p.Leu812Val (NM_001128844.3, NM_001128845.2, NM_001128846.2 and 6 more transcripts); short protein forms L812V.
Identifiers: ClinVar variation 1806623 (VCV001806623.1), dbSNP rs2146281668, ClinGen allele CA404053357.